The following is an entry in ClinVar:

ClinVar aggregate classification (germline): Likely benign (1 of 4 stars; one submission).

Allele frequency attached by ClinVar (database versions not stated): ExAC 0.00001; gnomAD exomes 0.00001.

Submission:

CeGaT Center for Human Genetics Tuebingen
Classification: Likely benign. Last evaluated: 2022-05-01. Review status: criteria provided, single submitter. Criteria: CeGaT Center For Human Genetics Tuebingen Variant Classification Criteria Version 2. Collection method: clinical testing. Allele origin: germline. Affected: yes. Observed: 1 variant allele.
Comment: PLEKHH3: BP4, BP7

NM_024927.5(PLEKHH3):c.1443G>A (p.Gly481=)

Gene: PLEKHH3 (pleckstrin homology, MyTH4 and FERM domain containing H3; minus strand). Cytogenetic location: 17q21.2.
Variant type: single nucleotide variant.
Coding change: c.1443G>A on transcript NM_024927.5 (MANE Select); coding-DNA position 1443, G replaced by A.
Protein change: p.Gly481=; no amino-acid change (glycine 481 retained).
Molecular consequence: synonymous variant. On other transcripts: non-coding transcript variant (2).
Genome position (GRCh38, 1-based): chr17:42,670,684, C>T on the plus strand (G>A on the coding strand, the complement: PLEKHH3 is on the minus strand). VCF-style: chr17-42670684-C-T. GRCh37 (hg19) VCF-style: chr17-40822702-C-T.
Other names: c.1434G>A, p.Gly478= (NM_001411112.1).
Identifiers: ClinVar variation 2647796 (VCV002647796.24), dbSNP rs764815668, ClinGen allele CA8580828.